The following is an entry in ClinVar:

ClinVar aggregate classification (germline): Pathogenic (1 of 4 stars; one submission).

Conditions:
Spastic paraplegia. Identifiers: MedGen C0037772, HP:0001258.

Submission:

Labcorp Genetics (formerly Invitae), Labcorp
Classification: Pathogenic for Spastic paraplegia. Last evaluated: 2023-12-11. Review status: criteria provided, single submitter. Criteria: Invitae Variant Classification Sherloc (09022015). Collection method: clinical testing. Allele origin: germline.
Comment: This sequence change creates a premature translational stop signal (p.Tyr101*) in the ERLIN2 gene. It is expected to result in an absent or disrupted protein product. Loss-of-function variants in ERLIN2 are known to be pathogenic (PMID: 21330303, 23109145, 24482476, 27824013). This variant is not present in population databases (gnomAD no frequency). This variant has not been reported in the literature in individuals affected with ERLIN2-related conditions. Algorithms developed to predict the effect of sequence changes on RNA splicing suggest that this variant may create or strengthen a splice site. For these reasons, this variant has been classified as Pathogenic.

Literature cited by the submitters: PubMed 21330303; PubMed 23109145; PubMed 24482476; PubMed 27824013.

NM_007175.8(ERLIN2):c.303del (p.Val100_Tyr101insTer)

Gene: ERLIN2 (ER lipid raft associated 2; plus strand). Cytogenetic location: 8p11.23.
Variant type: Deletion.
Coding change: c.303del on transcript NM_007175.8 (MANE Select); coding-DNA position 303, one base deleted (T; older notation c.303delT).
Protein change: p.Val100_Tyr101insTer.
Molecular consequence: nonsense.
Genome position (GRCh38, 1-based): chr8:37,744,575, T deleted. VCF-style (leftmost placement, unchanged base first): chr8-37744574-AT-A. GRCh37 (hg19) VCF-style: chr8-37602092-AT-A.
Other names: c.303del, p.Val100_Tyr101insTer (NM_001003790.4, NM_001003791.3, NM_001362878.2 and 1 more transcripts).
Identifiers: ClinVar variation 2735636 (VCV002735636.3), dbSNP rs2487305222, ClinGen allele CA2697549833.